The following is an entry in ClinVar:

NM_001395254.1(ZNF185):c.1822A>G (p.Ile608Val)

Gene: ZNF185 (zinc finger protein 185 with LIM domain; plus strand). Cytogenetic location: Xq28.
Variant type: single nucleotide variant.
Coding change: c.1822A>G on transcript NM_001395254.1 (MANE Select); coding-DNA position 1822, A replaced by G.
Protein change: p.Ile608Val; replaces isoleucine 608 with valine.
Molecular consequence: missense variant.
Genome position (GRCh38, 1-based): chrX:152,965,454, A>G. VCF-style: chrX-152965454-A-G. GRCh37 (hg19) VCF-style: chrX-152133998-A-G.
Other names: c.1726A>G, p.Ile576Val (NM_001178108.2, NM_001388432.2); c.1636A>G, p.Ile546Val (NM_001178109.1); c.1546A>G, p.Ile516Val (NM_001178110.1); c.1060A>G, p.Ile354Val (NM_001178113.2); c.637A>G, p.Ile213Val (NM_001178115.2); c.1723A>G, p.Ile575Val (NM_007150.3); c.1819A>G, p.Ile607Val (NM_001178106.1); c.1732A>G, p.Ile578Val (NM_001178107.1); short protein forms I576V, I608V, I213V, I354V, I546V, I578V, I607V, I516V.
Identifiers: ClinVar variation 4608506 (VCV004608506.1).

ClinVar aggregate classification (germline): Uncertain significance (1 of 4 stars; one submission).

gnomAD v4.1: 4 of 1,179,110 alleles (0.00034%); highest among the groups gnomAD compares: Admixed American, 0.0097%; no homozygotes.

Submission:

Ambry Genetics
Classification: Uncertain significance. Last evaluated: 2025-11-12. Review status: criteria provided, single submitter. Criteria: Ambry Variant Classification Scheme 2023. Collection method: clinical testing. Allele origin: germline.
Comment: The c.1819A>G (p.I607V) alteration is located in exon 20 (coding exon 20) of the ZNF185 gene. This alteration results from a A to G substitution at nucleotide position 1819, causing the isoleucine (I) at amino acid position 607 to be replaced by a valine (V). Based on data from gnomAD, the G allele has an overall frequency of 0.002% (2/134042) total alleles studied. The highest observed frequency was 0.009% (2/21771) of Latino alleles. Based on insufficient or conflicting evidence, the clinical significance of this alteration remains unclear.